The following is an entry in ClinVar:

ClinVar aggregate classification (germline): Uncertain significance (1 of 4 stars; one submission).

Conditions:
Cornelia de Lange syndrome 1 (CDLS1). Also called: Brachmann de Lange syndrome; NIPBL-Related Cornelia de Lange Syndrome; TYPUS DEGENERATIVUS AMSTELODAMENSIS. Identifiers: Orphanet 199, MedGen C4551851, MONDO:0007387, OMIM 122470.

Submission:

Labcorp Genetics (formerly Invitae), Labcorp
Classification: Uncertain significance for Cornelia de Lange syndrome 1. Last evaluated: 2022-11-01. Review status: criteria provided, single submitter. Criteria: Invitae Variant Classification Sherloc (09022015). Collection method: clinical testing. Allele origin: germline.
Comment: This sequence change replaces threonine, which is neutral and polar, with isoleucine, which is neutral and non-polar, at codon 1219 of the NIPBL protein (p.Thr1219Ile). This variant is not present in population databases (gnomAD no frequency). This variant has not been reported in the literature in individuals affected with NIPBL-related conditions. Advanced modeling of protein sequence and biophysical properties (such as structural, functional, and spatial information, amino acid conservation, physicochemical variation, residue mobility, and thermodynamic stability) has been performed at Invitae for this missense variant, however the output from this modeling did not meet the statistical confidence thresholds required to predict the impact of this variant on NIPBL protein function. In summary, the available evidence is currently insufficient to determine the role of this variant in disease. Therefore, it has been classified as a Variant of Uncertain Significance.

NM_133433.4(NIPBL):c.3656C>T (p.Thr1219Ile)

Gene: NIPBL (NIPBL cohesin loading factor; plus strand). Cytogenetic location: 5p13.2.
Variant type: single nucleotide variant.
Coding change: c.3656C>T on transcript NM_133433.4 (MANE Select); coding-DNA position 3656, C replaced by T.
Protein change: p.Thr1219Ile; replaces threonine 1219 with isoleucine.
Molecular consequence: missense variant.
Genome position (GRCh38, 1-based): chr5:37,001,070, C>T. VCF-style: chr5-37001070-C-T. GRCh37 (hg19) VCF-style: chr5-37001172-C-T.
Other names: c.3656C>T, p.Thr1219Ile (NM_015384.5); short protein forms T1219I.
Identifiers: ClinVar variation 2811273 (VCV002811273.3), dbSNP rs2478089431, ClinGen allele CA359519565.